The following is an entry in ClinVar:

ClinVar aggregate classification (germline): Uncertain significance (1 of 4 stars; one submission).

Conditions:
Duane retraction syndrome. Also called: Duane Syndrome; Duane's syndrome; RETRACTION SYNDROME; Duane anomaly. Identifiers: Orphanet 233, MedGen C0013261, MONDO:0007473, HP:0009921.

Allele frequency attached by ClinVar (database versions not stated): TOPMed below 0.00001.

Submission:

Broad Center for Mendelian Genomics, Broad Institute of MIT and Harvard
Classification: Uncertain significance for Duane retraction syndrome. Last evaluated: 2024-03-13. Review status: criteria provided, single submitter. Criteria: ACMG Guidelines, 2015. Collection method: curation. Allele origin: germline. Inheritance: Autosomal dominant inheritance.
Comment: The p.Pro318Gln variant in FOXL2 has not been previously reported in individuals with blepharophimosis, ptosis, and epicanthus inversus syndrome. This variant was absent from large population studies. Computational prediction tools, including splice predictors, and conservation analyses suggest that this variant may not impact the protein, though this information is not predictive enough to rule out pathogenicity. In summary, the clinical significance of the p.Pro318Gln variant is uncertain. ACMG/AMP Criteria applied: PM2_Supporting, BP4 (Richards 2015).

Literature cited by the submitters: PubMed 39033378.

NM_023067.4(FOXL2):c.953C>A (p.Pro318Gln)

Gene: FOXL2 (forkhead box L2; minus strand). Cytogenetic location: 3q22.3.
Variant type: single nucleotide variant.
Coding change: c.953C>A on transcript NM_023067.4 (MANE Select); coding-DNA position 953, C replaced by A.
Protein change: p.Pro318Gln; replaces proline 318 with glutamine.
Molecular consequence: missense variant.
Genome position (GRCh38, 1-based): chr3:138,945,770, G>T on the plus strand (C>A on the coding strand, the complement: FOXL2 is on the minus strand). VCF-style: chr3-138945770-G-T. GRCh37 (hg19) VCF-style: chr3-138664612-G-T.
Other names: NM_023067.4:c.953C>A; short protein forms P318Q.
Identifiers: ClinVar variation 3061823 (VCV003061823.1), dbSNP rs1935946242, ClinGen allele CA354701567.